The following is an entry in ClinVar:

ClinVar aggregate classification (germline): Likely benign. Review status: criteria provided, multiple submitters, no conflicts (2 of 4 stars). 5 submissions from 5 submitters: Likely benign (5). Last evaluated 2026-03-01.

Conditions:
Inborn genetic diseases. Identifiers: MedGen C0950123, MeSH D030342.

Allele frequency attached by ClinVar (database versions not stated): ExAC 0.00002; gnomAD exomes 0.00005; TOPMed 0.00007; ESP Exome Variant Server 0.00009; gnomAD 0.00010.
gnomAD v4.1: 64 of 1,208,113 alleles (0.0053%); highest among the groups gnomAD compares: Middle Eastern, 0.046%; no homozygotes.

Submissions (5):

CeGaT Center for Human Genetics Tuebingen
Classification: Likely benign. Last evaluated: 2026-03-01. Review status: criteria provided, single submitter. Criteria: CeGaT Center For Human Genetics Tuebingen Variant Classification Criteria Version 2. Collection method: clinical testing. Allele origin: germline. Affected: yes. Observed: 2 variant alleles.
Comment: ACSL4: BP4, BP7, BS2

Blueprint Genetics
Classification: Likely benign. Last evaluated: 2024-08-06. Review status: criteria provided, single submitter. Criteria: ACMG Guidelines, 2015. Collection method: clinical testing. Allele origin: germline.

Labcorp Genetics (formerly Invitae), Labcorp
Classification: Likely benign. Last evaluated: 2018-06-18. Review status: criteria provided, single submitter. Criteria: Invitae Variant Classification Sherloc (09022015). Collection method: clinical testing. Allele origin: germline.

Ambry Genetics
Classification: Likely benign for Inborn genetic diseases. Last evaluated: 2017-05-28. Review status: criteria provided, single submitter. Criteria: Ambry Variant Classification Scheme 2023. Collection method: clinical testing. Allele origin: germline.

Genetic Services Laboratory, University of Chicago
Classification: Likely benign. Last evaluated: 2016-02-17. Review status: criteria provided, single submitter. Criteria: ACMG Guidelines, 2015. Collection method: clinical testing. Allele origin: germline. Affected: no.

NM_001318510.2(ACSL4):c.1212G>A (p.Pro404=)

Gene: ACSL4 (acyl-CoA synthetase long chain family member 4; minus strand). Cytogenetic location: Xq23.
Variant type: single nucleotide variant.
Coding change: c.1212G>A on transcript NM_001318510.2 (MANE Select); coding-DNA position 1212, G replaced by A.
Protein change: p.Pro404=; no amino-acid change (proline 404 retained).
Molecular consequence: synonymous variant.
Genome position (GRCh38, 1-based): chrX:109,668,204, C>T on the plus strand (G>A on the coding strand, the complement: ACSL4 is on the minus strand). VCF-style: chrX-109668204-C-T. GRCh37 (hg19) VCF-style: chrX-108911433-C-T.
Other names: c.1335G>A, p.Pro445= (NM_001318509.2, NM_022977.3); c.1212G>A, p.Pro404= (NM_004458.3).
Identifiers: ClinVar variation 434073 (VCV000434073.34), dbSNP rs370509273, ClinGen allele CA10491038.
Genomic context (GRCh38, chrX:109,668,204, plus strand): 5'-ACCCTGGCCAATTGGGCAGCAGAAGCAGACATTCATGAATCGGTGTGTCTGAGGAGATAG[C>T]GGGGCCCCTCCAGACAGCATCATGCGGACATTCCCTCCCAGCAGGGCCTTGACCTTTTTA-3'
Protein context (NP_001305439.1, residues 394-414): NVRMMLSGGA[Pro404=]LSPQTHRFMN